The following is an entry in ClinVar:

ClinVar aggregate classification (germline): Uncertain significance (1 of 4 stars; one submission).

Submission:

Labcorp Genetics (formerly Invitae), Labcorp
Classification: Uncertain significance. Last evaluated: 2025-11-01. Review status: criteria provided, single submitter. Criteria: Invitae Variant Classification Sherloc (09022015). Collection method: clinical testing. Allele origin: germline.
Comment: This sequence change replaces leucine, which is neutral and non-polar, with valine, which is neutral and non-polar, at codon 1397 of the POLE protein (p.Leu1397Val). This variant is not present in population databases (gnomAD no frequency). This variant has not been reported in the literature in individuals affected with POLE-related conditions. Invitae Evidence Modeling of protein sequence and biophysical properties (such as structural, functional, and spatial information, amino acid conservation, physicochemical variation, residue mobility, and thermodynamic stability) indicates that this missense variant is not expected to disrupt POLE protein function with a negative predictive value of 80%. In summary, the available evidence is currently insufficient to determine the role of this variant in disease. Therefore, it has been classified as a Variant of Uncertain Significance.

NM_006231.4(POLE):c.4189C>G (p.Leu1397Val)

Gene: POLE (DNA polymerase epsilon, catalytic subunit; minus strand). Cytogenetic location: 12q24.33.
Variant type: single nucleotide variant.
Coding change: c.4189C>G on transcript NM_006231.4 (MANE Select); coding-DNA position 4189, C replaced by G.
Protein change: p.Leu1397Val; replaces leucine 1397 with valine.
Molecular consequence: missense variant.
Genome position (GRCh38, 1-based): chr12:132,643,938, G>C on the plus strand (C>G on the coding strand, the complement: POLE is on the minus strand). VCF-style: chr12-132643938-G-C. GRCh37 (hg19) VCF-style: chr12-133220524-G-C.
Other names: short protein forms L1397V.
Identifiers: ClinVar variation 4771418 (VCV004771418.1).